The following is an entry in ClinVar:

ClinVar aggregate classification (germline): Uncertain significance. Review status: criteria provided, multiple submitters, no conflicts (2 of 4 stars). 2 submissions from 2 submitters: Uncertain significance (2). Last evaluated 2025-11-13.

Conditions:
Gorlin syndrome. Also called: Nevoid Basal Cell Carcinoma Syndrome; Basal cell nevus syndrome. Identifiers: Orphanet 377, MedGen C0004779, MONDO:0007187.

Allele frequency attached by ClinVar (database versions not stated): gnomAD 0.00001; ExAC 0.00002; TOPMed 0.00002; ESP Exome Variant Server 0.00008.

Submissions (2):

Women's Health and Genetics/Laboratory Corporation of America, LabCorp
Classification: Uncertain significance. Last evaluated: 2025-11-13. Review status: criteria provided, single submitter. Criteria: LabCorp Variant Classification Summary - May 2015. Collection method: clinical testing. Allele origin: germline.
Comment: Variant summary: PTCH2 c.977G>A (p.Arg326His) results in a non-conservative amino acid change in the encoded protein sequence. Algorithms developed to predict the effect of missense changes on protein structure and function all suggest that this variant is likely to be disruptive. The variant allele was found at a frequency of 1.2e-05 in 251400 control chromosomes. The available data on variant occurrences in the general population are insufficient to allow any conclusion about variant significance. To our knowledge, no occurrence of c.977G>A in individuals affected with PTCH2-related conditions and no experimental evidence demonstrating its impact on protein function have been reported. ClinVar contains an entry for this variant (Variation ID: 3069013). Based on the evidence outlined above, the variant was classified as uncertain significance.

Labcorp Genetics (formerly Invitae), Labcorp
Classification: Uncertain significance for Gorlin syndrome. Last evaluated: 2025-04-17. Review status: criteria provided, single submitter. Criteria: Invitae Variant Classification Sherloc (09022015). Collection method: clinical testing. Allele origin: germline.
Comment: This sequence change replaces arginine, which is basic and polar, with histidine, which is basic and polar, at codon 326 of the PTCH2 protein (p.Arg326His). This variant is present in population databases (rs374499749, gnomAD 0.003%). This variant has not been reported in the literature in individuals affected with PTCH2-related conditions. ClinVar contains an entry for this variant (Variation ID: 3069013). Invitae Evidence Modeling of protein sequence and biophysical properties (such as structural, functional, and spatial information, amino acid conservation, physicochemical variation, residue mobility, and thermodynamic stability) indicates that this missense variant is not expected to disrupt PTCH2 protein function with a negative predictive value of 80%. In summary, the available evidence is currently insufficient to determine the role of this variant in disease. Therefore, it has been classified as a Variant of Uncertain Significance.

NM_003738.5(PTCH2):c.977G>A (p.Arg326His)

Gene: PTCH2 (patched 2; minus strand). Cytogenetic location: 1p34.1.
Variant type: single nucleotide variant.
Coding change: c.977G>A on transcript NM_003738.5 (MANE Select); coding-DNA position 977, G replaced by A.
Protein change: p.Arg326His; replaces arginine 326 with histidine.
Molecular consequence: missense variant.
Genome position (GRCh38, 1-based): chr1:44,829,720, C>T on the plus strand (G>A on the coding strand, the complement: PTCH2 is on the minus strand). VCF-style: chr1-44829720-C-T. GRCh37 (hg19) VCF-style: chr1-45295392-C-T.
Other names: c.977G>A, p.Arg326His (NM_001166292.2); short protein forms R326H.
Identifiers: ClinVar variation 3069013 (VCV003069013.5), dbSNP rs374499749, ClinGen allele CA823474.
Genomic context (GRCh38, chr1:44,829,720, plus strand): 5'-TCCTCACTCCAGCCAATGTCATGTGTCTGATAGTCACCCCGGAAATGCTCGTACAGCTGG[C>T]GGGGACTCATCAGCAAGAAGGTGCTCTGCAGGGCCTCTGCCCTGGTGGGGGTGTGGGAGA-3'
Protein context (NP_003729.3, residues 316-336): LQSTFLLMSP[Arg326His]QLYEHFRGDY